The following is an entry in ClinVar:

NM_006231.4(POLE):c.376G>A (p.Gly126Ser)

Gene: POLE (DNA polymerase epsilon, catalytic subunit; minus strand). Cytogenetic location: 12q24.33.
Variant type: single nucleotide variant.
Coding change: c.376G>A on transcript NM_006231.4 (MANE Select); coding-DNA position 376, G replaced by A.
Protein change: p.Gly126Ser; replaces glycine 126 with serine.
Molecular consequence: missense variant.
Genome position (GRCh38, 1-based): chr12:132,680,001, C>T on the plus strand (G>A on the coding strand, the complement: POLE is on the minus strand). VCF-style: chr12-132680001-C-T. GRCh37 (hg19) VCF-style: chr12-133256587-C-T.
Other names: short protein forms G126S.
Identifiers: ClinVar variation 3781607 (VCV003781607.1).
Genomic context (GRCh38, chr12:132,680,001, plus strand): 5'-GGGTGATACTCACCAAGTCCAGATCCTCTTTGGGGACAGTCTCCACTTTTGCAATTTTGC[C>T]CTGAAACTTCTTGGAGAGAAAAGATGAAACTTCTCGCTCACAACCCTAATCAGGATCAGA-3'
Protein context (NP_006222.2, residues 116-136): VSSFLSKKFQ[Gly126Ser]KIAKVETVPK

ClinVar aggregate classification (germline): Uncertain significance (1 of 4 stars; one submission).

Conditions:
Hereditary cancer-predisposing syndrome. Also called: Neoplastic Syndromes, Hereditary; Hereditary Cancer Syndrome; Tumor predisposition; Hereditary neoplastic syndrome. Identifiers: Orphanet 140162, MedGen C0027672, MeSH D009386, MONDO:0015356.

Submission:

Ambry Genetics
Classification: Uncertain significance for Hereditary cancer-predisposing syndrome. Last evaluated: 2025-03-06. Review status: criteria provided, single submitter. Criteria: Ambry Variant Classification Scheme 2023. Collection method: clinical testing. Allele origin: germline.
Comment: The p.G126S variant (also known as c.376G>A), located in coding exon 5 of the POLE gene, results from a G to A substitution at nucleotide position 376. The glycine at codon 126 is replaced by serine, an amino acid with similar properties. This amino acid position is conserved. In addition, the in silico prediction for this alteration is inconclusive. Based on the available evidence, the clinical significance of this variant remains unclear.